The following is an entry in ClinVar:

ClinVar aggregate classification (germline): Uncertain significance. Review status: criteria provided, single submitter (1 of 4 stars). 2 submissions from 2 submitters: Uncertain significance (1). 1 of the submissions does not count toward it. Last evaluated 2024-11-10.

Conditions:
PIK3C2B-related disorder. Also called: PIK3C2B-related condition.

gnomAD v4.1: 14 of 1,610,298 alleles (0.00087%); highest among the groups gnomAD compares: African/African-American, 0.0027%; no homozygotes.

Submissions (2):

Ambry Genetics
Classification: Uncertain significance. Last evaluated: 2024-11-10. Review status: criteria provided, single submitter. Criteria: Ambry Variant Classification Scheme 2023. Collection method: clinical testing. Allele origin: germline.

PreventionGenetics, part of Exact Sciences
Classification: Uncertain significance for PIK3C2B-related condition. Last evaluated: 2024-03-11. Review status: no assertion criteria provided. Collection method: clinical testing. Allele origin: germline. Not counted in ClinVar's aggregate classification.
Comment: The PIK3C2B c.875G>A variant is predicted to result in the amino acid substitution p.Arg292His. To our knowledge, this variant has not been reported in the literature. This variant is reported in 0.0062% of alleles in individuals of African descent in gnomAD. At this time, the clinical significance of this variant is uncertain due to the absence of conclusive functional and genetic evidence.

NM_001377334.1(PIK3C2B):c.875G>A (p.Arg292His)

Gene: PIK3C2B (phosphatidylinositol-4-phosphate 3-kinase catalytic subunit type 2 beta; minus strand). Cytogenetic location: 1q32.1.
Variant type: single nucleotide variant.
Coding change: c.875G>A on transcript NM_001377334.1 (MANE Select); coding-DNA position 875, G replaced by A.
Protein change: p.Arg292His; replaces arginine 292 with histidine.
Molecular consequence: missense variant.
Genome position (GRCh38, 1-based): chr1:204,468,928, C>T on the plus strand (G>A on the coding strand, the complement: PIK3C2B is on the minus strand). VCF-style: chr1-204468928-C-T. GRCh37 (hg19) VCF-style: chr1-204438056-C-T.
Other names: c.875G>A, p.Arg292His (NM_001377335.1, NM_002646.4); short protein forms R292H.
Identifiers: ClinVar variation 3357633 (VCV003357633.2).